The following is an entry in ClinVar:

NM_006033.4(LIPG):c.525C>T (p.Ala175=)

Gene: LIPG (lipase G, endothelial type; plus strand). Cytogenetic location: 18q21.1.
Variant type: single nucleotide variant.
Coding change: c.525C>T on transcript NM_006033.4 (MANE Select); coding-DNA position 525, C replaced by T.
Protein change: p.Ala175=; no amino-acid change (alanine 175 retained).
Molecular consequence: synonymous variant.
Genome position (GRCh38, 1-based): chr18:49,569,502, C>T. VCF-style: chr18-49569502-C-T. GRCh37 (hg19) VCF-style: chr18-47095872-C-T.
Other names: c.525C>T, p.Ala175= (NM_001308006.2).
Identifiers: ClinVar variation 3042583 (VCV003042583.2), dbSNP rs143163964, ClinGen allele CA8959135.

ClinVar aggregate classification (germline): Likely benign (0 of 4 stars; one submission).

Conditions:
LIPG-related disorder. Also called: LIPG-related condition.

gnomAD v4.1: 28 of 1,614,052 alleles (0.0017%); highest among the groups gnomAD compares: Middle Eastern, 0.016%; no homozygotes.

Submission:

PreventionGenetics, part of Exact Sciences
Classification: Likely benign for LIPG-related condition. Last evaluated: 2019-06-21. Review status: no assertion criteria provided. Collection method: clinical testing. Allele origin: germline.
Comment: This variant is classified as likely benign based on ACMG/AMP sequence variant interpretation guidelines (Richards et al. 2015 PMID: 25741868, with internal and published modifications).